The following is an entry in ClinVar:

NM_001205293.3(CACNA1E):c.43G>A (p.Gly15Ser)

Gene: CACNA1E (calcium voltage-gated channel subunit alpha1 E; plus strand). Cytogenetic location: 1q25.3.
Variant type: single nucleotide variant.
Coding change: c.43G>A on transcript NM_001205293.3 (MANE Select); coding-DNA position 43, G replaced by A.
Protein change: p.Gly15Ser; replaces glycine 15 with serine.
Molecular consequence: missense variant.
Genome position (GRCh38, 1-based): chr1:181,483,787, G>A. VCF-style: chr1-181483787-G-A. GRCh37 (hg19) VCF-style: chr1-181452923-G-A.
Other names: c.43G>A, p.Gly15Ser (NM_000721.4, NM_001205294.2); short protein forms G15S.
Identifiers: ClinVar variation 1401729 (VCV001401729.8), dbSNP rs376471584, ClinGen allele CA34178243.

ClinVar aggregate classification (germline): Uncertain significance (1 of 4 stars; one submission).

Allele frequency attached by ClinVar (database versions not stated): gnomAD 0.00001; gnomAD exomes 0.00001; TOPMed 0.00001; ESP Exome Variant Server 0.00008.
gnomAD v4.1: 9 of 1,611,768 alleles (0.00056%); highest among the groups gnomAD compares: African/African-American, 0.0013%; no homozygotes.

Submission:

Labcorp Genetics (formerly Invitae), Labcorp
Classification: Uncertain significance. Last evaluated: 2021-01-22. Review status: criteria provided, single submitter. Criteria: Invitae Variant Classification Sherloc (09022015). Collection method: clinical testing. Allele origin: germline.
Comment: This sequence change replaces glycine with serine at codon 15 of the CACNA1E protein (p.Gly15Ser). The glycine residue is weakly conserved and there is a small physicochemical difference between glycine and serine. This variant is not present in population databases (ExAC no frequency). In summary, the available evidence is currently insufficient to determine the role of this variant in disease. Therefore, it has been classified as a Variant of Uncertain Significance. Algorithms developed to predict the effect of missense changes on protein structure and function are either unavailable or do not agree on the potential impact of this missense change (SIFT: "Tolerated"; PolyPhen-2: "Probably Damaging"; Align-GVGD: "Class C0"). This variant has not been reported in the literature in individuals with CACNA1E-related conditions.